The following is an entry in ClinVar:

ClinVar aggregate classification (germline): Uncertain significance (1 of 4 stars; one submission).

Conditions:
Hereditary cancer-predisposing syndrome. Also called: Neoplastic Syndromes, Hereditary; Tumor predisposition; Hereditary neoplastic syndrome; Hereditary Cancer Syndrome. Identifiers: Orphanet 140162, MedGen C0027672, MeSH D009386, MONDO:0015356.

Submission:

Ambry Genetics
Classification: Uncertain significance for Hereditary cancer-predisposing syndrome. Last evaluated: 2024-05-10. Review status: criteria provided, single submitter. Criteria: Ambry Variant Classification Scheme 2023. Collection method: clinical testing. Allele origin: germline.
Comment: The p.F535V variant (also known as c.1603T>G), located in coding exon 17 of the RB1 gene, results from a T to G substitution at nucleotide position 1603. The phenylalanine at codon 535 is replaced by valine, an amino acid with highly similar properties. This amino acid position is conserved. In addition, this alteration is predicted to be deleterious by in silico analysis. Based on the available evidence, the clinical significance of this variant remains unclear.

NM_000321.3(RB1):c.1603T>G (p.Phe535Val)

Gene: RB1 (RB transcriptional corepressor 1; plus strand). Cytogenetic location: 13q14.2.
Variant type: single nucleotide variant.
Coding change: c.1603T>G on transcript NM_000321.3 (MANE Select); coding-DNA position 1603, T replaced by G.
Protein change: p.Phe535Val; replaces phenylalanine 535 with valine.
Molecular consequence: missense variant.
Genome position (GRCh38, 1-based): chr13:48,381,351, T>G. VCF-style: chr13-48381351-T-G. GRCh37 (hg19) VCF-style: chr13-48955487-T-G.
Other names: c.1603T>G, p.Phe535Val (NM_001407165.1, NM_001407166.1); short protein forms F535V.
Identifiers: ClinVar variation 3313055 (VCV003313055.1).